The following is an entry in ClinVar:

NM_022168.4(IFIH1):c.2211G>C (p.Trp737Cys)

Gene: IFIH1 (interferon induced with helicase C domain 1; minus strand). Cytogenetic location: 2q24.2.
Variant type: single nucleotide variant.
Coding change: c.2211G>C on transcript NM_022168.4 (MANE Select); coding-DNA position 2211, G replaced by C.
Protein change: p.Trp737Cys; replaces tryptophan 737 with cysteine.
Molecular consequence: missense variant.
Genome position (GRCh38, 1-based): chr2:162,276,780, C>G on the plus strand (G>C on the coding strand, the complement: IFIH1 is on the minus strand). VCF-style: chr2-162276780-C-G. GRCh37 (hg19) VCF-style: chr2-163133290-C-G.
Other names: short protein forms W737C.
Identifiers: ClinVar variation 3752165 (VCV003752165.2).

ClinVar aggregate classification (germline): Uncertain significance (1 of 4 stars; one submission).

Conditions:
Aicardi-Goutieres syndrome 7 (AGS7). Identifiers: Orphanet 51, MedGen C3888244, MONDO:0014367, OMIM 615846.
Singleton-Merten syndrome 1 (SGMRT1). Also called: Widened medullary cavities of bone, aortic calcification, abnormal dentition, and muscular weakness; Syndrome of widened medullary cavities of the metacarpals and phalanges, aortic calcification and abnormal dentition. Identifiers: Orphanet 85191, MedGen C4225427, MONDO:0024535, OMIM 182250.

gnomAD v4.1: 9 of 1,613,862 alleles (0.00056%); highest among the groups gnomAD compares: Non-Finnish European, 0.00068%; no homozygotes.

Submission:

Labcorp Genetics (formerly Invitae), Labcorp
Classification: Uncertain significance for Aicardi-Goutieres syndrome 7; Singleton-Merten syndrome 1. Last evaluated: 2024-11-04. Review status: criteria provided, single submitter. Criteria: Invitae Variant Classification Sherloc (09022015). Collection method: clinical testing. Allele origin: germline.
Comment: This sequence change replaces tryptophan, which is neutral and slightly polar, with cysteine, which is neutral and slightly polar, at codon 737 of the IFIH1 protein (p.Trp737Cys). This variant is present in population databases (rs375941146, gnomAD 0.0009%). This variant has not been reported in the literature in individuals affected with IFIH1-related conditions. Invitae Evidence Modeling of protein sequence and biophysical properties (such as structural, functional, and spatial information, amino acid conservation, physicochemical variation, residue mobility, and thermodynamic stability) has been performed for this missense variant. However, the output from this modeling did not meet the statistical confidence thresholds required to predict the impact of this variant on IFIH1 protein function. In summary, the available evidence is currently insufficient to determine the role of this variant in disease. Therefore, it has been classified as a Variant of Uncertain Significance.